The following is an entry in ClinVar:

NM_006231.4(POLE):c.1855T>G (p.Cys619Gly)

Gene: POLE (DNA polymerase epsilon, catalytic subunit; minus strand). Cytogenetic location: 12q24.33.
Variant type: single nucleotide variant.
Coding change: c.1855T>G on transcript NM_006231.4 (MANE Select); coding-DNA position 1855, T replaced by G.
Protein change: p.Cys619Gly; replaces cysteine 619 with glycine.
Molecular consequence: missense variant.
Genome position (GRCh38, 1-based): chr12:132,668,879, A>C on the plus strand (T>G on the coding strand, the complement: POLE is on the minus strand). VCF-style: chr12-132668879-A-C. GRCh37 (hg19) VCF-style: chr12-133245465-A-C.
Other names: short protein forms C619G.
Identifiers: ClinVar variation 2823726 (VCV002823726.3), dbSNP rs758779896, ClinGen allele CA387355498.
Genomic context (GRCh38, chr12:132,668,879, plus strand): 5'-GGTTGGTCAGGATGATGTTGGGGTACATGGCCCCCACGTCCAGGTGGTAGATGAGTGGAC[A>C]CTCGATGCGGCTGGGAACGTCCTTCAGGGAGGCAAGCTTGCTCTTAATCTCATCACACAC-3'
Protein context (NP_006222.2, residues 609-629): SLKDVPSRIE[Cys619Gly]PLIYHLDVGA

ClinVar aggregate classification (germline): Uncertain significance (1 of 4 stars; one submission).

Submission:

Labcorp Genetics (formerly Invitae), Labcorp
Classification: Uncertain significance. Last evaluated: 2022-12-24. Review status: criteria provided, single submitter. Criteria: Invitae Variant Classification Sherloc (09022015). Collection method: clinical testing. Allele origin: germline.
Comment: This sequence change replaces cysteine, which is neutral and slightly polar, with glycine, which is neutral and non-polar, at codon 619 of the POLE protein (p.Cys619Gly). This variant is not present in population databases (gnomAD no frequency). This variant has not been reported in the literature in individuals affected with POLE-related conditions. Advanced modeling of protein sequence and biophysical properties (such as structural, functional, and spatial information, amino acid conservation, physicochemical variation, residue mobility, and thermodynamic stability) performed at Invitae indicates that this missense variant is not expected to disrupt POLE protein function. In summary, the available evidence is currently insufficient to determine the role of this variant in disease. Therefore, it has been classified as a Variant of Uncertain Significance.